The following is an entry in ClinVar:

NM_022124.6(CDH23):c.4457dup (p.Asp1486fs)

Gene: CDH23 (cadherin related 23; plus strand). Cytogenetic location: 10q22.1.
Variant type: Duplication.
Coding change: c.4457dup on transcript NM_022124.6 (MANE Select); coding-DNA position 4457, one base duplicated (A; older notation c.4457dupA).
Protein change: p.Asp1486fs; shifts the reading frame from aspartic acid 1486.
Molecular consequence: frameshift variant.
Genome position (GRCh38, 1-based): chr10:71,739,741, A duplicated. VCF-style (leftmost placement, unchanged base first): chr10-71739740-G-GA. GRCh37 (hg19) VCF-style: chr10-73499497-G-GA.
Other names: short protein forms D1486fs.
Identifiers: ClinVar variation 4854083 (VCV004854083.1).

ClinVar aggregate classification (germline): Pathogenic (1 of 4 stars; one submission).

Conditions:
Autosomal recessive nonsyndromic hearing loss 12. Also called: DEAFNESS, AUTOSOMAL RECESSIVE 12. Identifiers: Orphanet 90636, MedGen C1832394, MONDO:0011067, OMIM 601386.

Submission:

3billion
Classification: Pathogenic for Autosomal recessive nonsyndromic hearing loss 12. Last evaluated: 2025-12-16. Review status: criteria provided, single submitter. Criteria: ACMG Guidelines, 2015. Collection method: clinical testing. Allele origin: germline. Affected: yes.
Comment: The variant is not observed in the gnomAD v4.1.0 dataset. Predicted Consequence/Location: Frameshift: predicted to result in a loss or disruption of normal protein function through nonsense-mediated decay (NMD) or protein truncation. Multiple pathogenic variants are reported downstream of the variant. Therefore, this variant is classified as Pathogenic according to the recommendation of ACMG/AMP guideline.